The following is an entry in ClinVar:

NM_017950.4(CCDC40):c.*633C>G

Gene: CCDC40 (coiled-coil domain 40 molecular ruler complex subunit; plus strand). Cytogenetic location: 17q25.3.
Variant type: single nucleotide variant.
Coding change: c.*633C>G on transcript NM_017950.4 (MANE Select); 633 bases downstream of the stop codon, C replaced by G.
Molecular consequence: 3 prime UTR variant.
Genome position (GRCh38, 1-based): chr17:80,100,408, C>G. VCF-style: chr17-80100408-C-G. GRCh37 (hg19) VCF-style: chr17-78074207-C-G.
Identifiers: ClinVar variation 325764 (VCV000325764.5), dbSNP rs117359231, ClinGen allele CA10651251.

ClinVar aggregate classification (germline): Likely benign (1 of 4 stars; one submission).

Conditions:
Primary ciliary dyskinesia 15. Also called: CILIARY DYSKINESIA, PRIMARY, 15, WITH OR WITHOUT SITUS INVERSUS. Identifiers: Orphanet 244, MedGen C3151137, MONDO:0013435, OMIM 613808.

Allele frequency attached by ClinVar (database versions not stated): gnomAD exomes 0.00020; gnomAD 0.00036 and 0.00066; TOPMed 0.00080; 1000 Genomes Project 30x 0.00375; 1000 Genomes Project 0.00379.
gnomAD v4.1: 101 of 157,452 alleles (0.064%); highest among the groups gnomAD compares: East Asian, 1.6%; 2 homozygotes.

Submission:

Illumina Laboratory Services, Illumina
Classification: Likely benign for Primary ciliary dyskinesia 15. Last evaluated: 2018-01-12. Review status: criteria provided, single submitter. Criteria: ICSL Variant Classification Criteria 13 December 2019. Collection method: clinical testing. Allele origin: germline.
Comment: This variant was observed in the ICSL laboratory as part of a predisposition screen in an ostensibly healthy population. It had not been previously curated by ICSL or reported in the Human Gene Mutation Database (HGMD: prior to June 1st, 2018), and was therefore a candidate for classification through an automated scoring system. Utilizing variant allele frequency, disease prevalence and penetrance estimates, and inheritance mode, an automated score was calculated to assess if this variant is too frequent to cause the disease. Based on the score and internal cut-off values, a variant classified as likely benign is not then subjected to further curation. The score for this variant resulted in a classification of likely benign for this disease.